The following is an entry in ClinVar:

NM_003982.4(SLC7A7):c.1265T>G (p.Ile422Ser)

Gene: SLC7A7 (solute carrier family 7 member 7; minus strand). Cytogenetic location: 14q11.2.
Variant type: single nucleotide variant.
Coding change: c.1265T>G on transcript NM_003982.4 (MANE Select); coding-DNA position 1265, T replaced by G.
Protein change: p.Ile422Ser; replaces isoleucine 422 with serine.
Molecular consequence: missense variant.
Genome position (GRCh38, 1-based): chr14:22,774,097, A>C on the plus strand (T>G on the coding strand, the complement: SLC7A7 is on the minus strand). VCF-style: chr14-22774097-A-C. GRCh37 (hg19) VCF-style: chr14-23243306-A-C.
Other names: c.1265T>G, p.Ile422Ser (NM_001126105.3, NM_001126106.4); short protein forms I422S.
Identifiers: ClinVar variation 1494268 (VCV001494268.8), dbSNP rs2139383586, ClinGen allele CA388921397.
Genomic context (GRCh38, chr14:22,774,097, plus strand): 5'-TTGATAGTATCACTGTAAAGTGGAACAGCCACCAGGAAGATGGTGCAGAGGCAGAAGACA[A>C]TCGGGAAGAAAACGCTGAGCTAAGGGCACAGGAAACATAACTGGAGTGGACAACTCAGGA-3'
Protein context (NP_003973.3, residues 412-432): RPLKLSVFFP[Ile422Ser]VFCLCTIFLV

ClinVar aggregate classification (germline): Uncertain significance (1 of 4 stars; one submission).

Conditions:
Lysinuric protein intolerance (LPI). Identifiers: Orphanet 470, MedGen C0268647, MONDO:0009109, OMIM 222700.

Submission:

Labcorp Genetics (formerly Invitae), Labcorp
Classification: Uncertain significance for Lysinuric protein intolerance. Last evaluated: 2021-05-28. Review status: criteria provided, single submitter. Criteria: Invitae Variant Classification Sherloc (09022015). Collection method: clinical testing. Allele origin: germline.
Comment: In summary, the available evidence is currently insufficient to determine the role of this variant in disease. Therefore, it has been classified as a Variant of Uncertain Significance. Algorithms developed to predict the effect of missense changes on protein structure and function are either unavailable or do not agree on the potential impact of this missense change (SIFT: "Deleterious"; PolyPhen-2: "Benign"; Align-GVGD: "Class C15"). This variant has not been reported in the literature in individuals with SLC7A7-related conditions. This variant is not present in population databases (ExAC no frequency). This sequence change replaces isoleucine with serine at codon 422 of the SLC7A7 protein (p.Ile422Ser). The isoleucine residue is moderately conserved and there is a large physicochemical difference between isoleucine and serine.